The following is an entry in ClinVar:

ClinVar aggregate classification (germline): Pathogenic (1 of 4 stars; one submission).

Submission:

Labcorp Genetics (formerly Invitae), Labcorp
Classification: Pathogenic. Last evaluated: 2024-07-23. Review status: criteria provided, single submitter. Criteria: Invitae Variant Classification Sherloc (09022015). Collection method: clinical testing. Allele origin: germline.
Comment: This sequence change creates a premature translational stop signal (p.Ser1416Glufs*21) in the CUL7 gene. It is expected to result in an absent or disrupted protein product. Loss-of-function variants in CUL7 are known to be pathogenic (PMID: 16142236, 17675530, 19225462). This variant is not present in population databases (gnomAD no frequency). This variant has not been reported in the literature in individuals affected with CUL7-related conditions. For these reasons, this variant has been classified as Pathogenic.

Literature cited by the submitters: PubMed 16142236; PubMed 17675530; PubMed 19225462.

NM_014780.5(CUL7):c.4242_4249del (p.Ser1416fs)

Gene: CUL7 (cullin 7; minus strand). Cytogenetic location: 6p21.1.
Variant type: Deletion.
Coding change: c.4242_4249del on transcript NM_014780.5 (MANE Select); coding-DNA positions 4242 to 4249, 8 bases deleted (GCCCTCCT; older notation c.4242_4249delGCCCTCCT).
Protein change: p.Ser1416fs; shifts the reading frame from serine 1416.
Molecular consequence: frameshift variant.
Genome position (GRCh38, 1-based): chr6:43,040,201-43,040,208, AGGAGGGC deleted on the plus strand (GCCCTCCT on the coding strand, the reverse complement: CUL7 is on the minus strand); deleting any 8 consecutive bases within chr6:43,040,201-43,040,211 gives the same sequence; the c. name uses the placement nearest the transcript's 3' end. VCF-style (leftmost placement, unchanged base first): chr6-43040200-TAGGAGGGC-T. GRCh37 (hg19) VCF-style: chr6-43007938-TAGGAGGGC-T.
Other names: c.4338_4345del, p.Ser1448fs (NM_001168370.2, NM_001374872.1); c.4242_4249del, p.Ser1416fs (NM_001374873.1); c.4239_4246del, p.Ser1415fs (NM_001374874.1); short protein forms S1448fs, S1415fs, S1416fs.
Identifiers: ClinVar variation 3660262 (VCV003660262.2).